The following is an entry in ClinVar:

ClinVar aggregate classification (germline): Likely benign (1 of 4 stars; one submission).

Submission:

CeGaT Center for Human Genetics Tuebingen
Classification: Likely benign. Last evaluated: 2023-04-01. Review status: criteria provided, single submitter. Criteria: CeGaT Center For Human Genetics Tuebingen Variant Classification Criteria Version 2. Collection method: clinical testing. Allele origin: germline. Affected: yes. Observed: 1 variant allele.
Comment: SHCBP1L: BS2

NM_030933.4(SHCBP1L):c.251CGG[5] (p.Ala89del)

Gene: SHCBP1L (SHC binding and spindle associated 1 like; minus strand). Cytogenetic location: 1q25.3.
Variant type: Microsatellite.
Coding change: c.251CGG[5] on transcript NM_030933.4 (MANE Select); five copies in a row of the 3-base unit CGG starting at c.251; the reference has six copies in a row; one copy, 3 bases deleted.
Protein change: p.Ala89del; deletes alanine 89.
Molecular consequence: inframe deletion. On other transcripts: 5 prime UTR variant (1).
Genome position (GRCh38, 1-based): chr1:182,952,866-182,952,868, CCG deleted on the plus strand (CGG on the coding strand, the reverse complement: SHCBP1L is on the minus strand); deleting any 3 consecutive bases within chr1:182,952,866-182,952,885 gives the same sequence; the position shown is the placement nearest the transcript's 3' end. VCF-style (leftmost placement, unchanged base first): chr1-182952865-TCCG-T. GRCh37 (hg19) VCF-style: chr1-182922000-TCCG-T.
Other names: c.-160CGG[5] (NM_001345928.2); short protein forms A89del.
Identifiers: ClinVar variation 2639622 (VCV002639622.24), dbSNP rs747708113, ClinGen allele CA1280664.